The following is an entry in ClinVar:

NM_002294.3(LAMP2):c.12C>T (p.Phe4=)

Gene: LAMP2 (lysosomal associated membrane protein 2; minus strand). Cytogenetic location: Xq24.
Variant type: single nucleotide variant.
Coding change: c.12C>T on transcript NM_002294.3 (MANE Select); coding-DNA position 12, C replaced by T.
Protein change: p.Phe4=; no amino-acid change (phenylalanine 4 retained).
Molecular consequence: synonymous variant.
Genome position (GRCh38, 1-based): chrX:120,469,158, G>A on the plus strand (C>T on the coding strand, the complement: LAMP2 is on the minus strand). VCF-style: chrX-120469158-G-A. GRCh37 (hg19) VCF-style: chrX-119603013-G-A.
Other names: c.12C>T, p.Phe4= (NM_001122606.1, NM_013995.2).
Identifiers: ClinVar variation 3046646 (VCV003046646.2), dbSNP rs2520948387, ClinGen allele CA518411803.

ClinVar aggregate classification (germline): Likely benign (0 of 4 stars; one submission).

Conditions:
LAMP2-related disorder. Also called: LAMP2-related condition.

Submission:

PreventionGenetics, part of Exact Sciences
Classification: Likely benign for LAMP2-related condition. Last evaluated: 2019-02-21. Review status: no assertion criteria provided. Collection method: clinical testing. Allele origin: germline.
Comment: This variant is classified as likely benign based on ACMG/AMP sequence variant interpretation guidelines (Richards et al. 2015 PMID: 25741868, with internal and published modifications).